The following is an entry in ClinVar:

ClinVar aggregate classification (germline): Uncertain significance (1 of 4 stars; one submission).

Conditions:
Inborn genetic diseases. Identifiers: MedGen C0950123, MeSH D030342.

Allele frequency attached by ClinVar (database versions not stated): gnomAD exomes below 0.00001; ExAC 0.00001.

Submission:

Ambry Genetics
Classification: Uncertain significance for Inborn genetic diseases. Last evaluated: 2022-06-22. Review status: criteria provided, single submitter. Criteria: Ambry Variant Classification Scheme 2023. Collection method: clinical testing. Allele origin: germline.
Comment: The c.1303C>T (p.H435Y) alteration is located in exon 11 (coding exon 8) of the KDM6B gene. This alteration results from a C to T substitution at nucleotide position 1303, causing the histidine (H) at amino acid position 435 to be replaced by a tyrosine (Y). This variant was not reported in population-based cohorts in the Genome Aggregation Database (gnomAD). This amino acid position is poorly conserved in available vertebrate species. This alteration is predicted to be tolerated by in silico analysis. Based on insufficient or conflicting evidence, the clinical significance of this alteration remains unclear.

NM_001348716.2(KDM6B):c.1303C>T (p.His435Tyr)

Gene: KDM6B (lysine demethylase 6B; plus strand). Cytogenetic location: 17p13.1.
Variant type: single nucleotide variant.
Coding change: c.1303C>T on transcript NM_001348716.2 (MANE Select); coding-DNA position 1303, C replaced by T.
Protein change: p.His435Tyr; replaces histidine 435 with tyrosine.
Molecular consequence: missense variant.
Genome position (GRCh38, 1-based): chr17:7,847,591, C>T. VCF-style: chr17-7847591-C-T. GRCh37 (hg19) VCF-style: chr17-7750909-C-T.
Other names: c.1303C>T, p.His435Tyr (NM_001080424.2); short protein forms H435Y.
Identifiers: ClinVar variation 2289983 (VCV002289983.2), dbSNP rs750437299, ClinGen allele CA8360604.